The following is an entry in ClinVar:

ClinVar aggregate classification (germline): Uncertain significance (1 of 4 stars; one submission).

Submission:

GeneDx
Classification: Uncertain significance. Last evaluated: 2023-05-04. Review status: criteria provided, single submitter. Criteria: GeneDx Variant Classification Process June 2021. Collection method: clinical testing. Allele origin: germline. Affected: yes.
Comment: Not observed at significant frequency in large population cohorts (gnomAD); In silico analysis supports that this missense variant does not alter protein structure/function; Has not been previously published as pathogenic or benign to our knowledge

NM_004187.5(KDM5C):c.3515C>T (p.Pro1172Leu)

Gene: KDM5C (lysine demethylase 5C; minus strand). Cytogenetic location: Xp11.22.
Variant type: single nucleotide variant.
Coding change: c.3515C>T on transcript NM_004187.5 (MANE Select); coding-DNA position 3515, C replaced by T.
Protein change: p.Pro1172Leu; replaces proline 1172 with leucine.
Molecular consequence: missense variant. On other transcripts: non-coding transcript variant (3).
Genome position (GRCh38, 1-based): chrX:53,194,662, G>A on the plus strand (C>T on the coding strand, the complement: KDM5C is on the minus strand). VCF-style: chrX-53194662-G-A. GRCh37 (hg19) VCF-style: chrX-53223844-G-A.
Other names: c.3314C>T, p.Pro1105Leu (NM_001146702.2); c.3512C>T, p.Pro1171Leu (NM_001282622.3, NM_001353979.2, NM_001353982.2); c.3515C>T, p.Pro1172Leu (NM_001353978.3, NM_001353981.2, NM_001353984.2); short protein forms P1105L, P1171L, P1172L.
Identifiers: ClinVar variation 3343297 (VCV003343297.1).